The following is an entry in ClinVar:

ClinVar aggregate classification (germline): Uncertain significance. Review status: criteria provided, multiple submitters, no conflicts (2 of 4 stars). 2 submissions from 2 submitters: Uncertain significance (2). Last evaluated 2024-05-20.

Allele frequency attached by ClinVar (database versions not stated): ExAC 0.00001; gnomAD 0.00001 and 0.00002; TOPMed 0.00001.
gnomAD v4.1: 18 of 1,613,994 alleles (0.0011%); highest among the groups gnomAD compares: Non-Finnish European, 0.0015%; no homozygotes.

Submissions (2):

Blueprint Genetics
Classification: Uncertain significance. Last evaluated: 2024-05-20. Review status: criteria provided, single submitter. Criteria: ACMG Guidelines, 2015. Collection method: clinical testing. Allele origin: germline.

Labcorp Genetics (formerly Invitae), Labcorp
Classification: Uncertain significance. Last evaluated: 2021-09-10. Review status: criteria provided, single submitter. Criteria: Invitae Variant Classification Sherloc (09022015). Collection method: clinical testing. Allele origin: germline.
Comment: In summary, the available evidence is currently insufficient to determine the role of this variant in disease. Therefore, it has been classified as a Variant of Uncertain Significance. Advanced modeling of protein sequence and biophysical properties (such as structural, functional, and spatial information, amino acid conservation, physicochemical variation, residue mobility, and thermodynamic stability) performed at Invitae indicates that this missense variant is expected to disrupt GRM6 protein function. This variant has not been reported in the literature in individuals affected with GRM6-related conditions. This variant is present in population databases (rs547535418, ExAC 0.002%). This sequence change replaces leucine with proline at codon 211 of the GRM6 protein (p.Leu211Pro). The leucine residue is highly conserved and there is a moderate physicochemical difference between leucine and proline.

NM_000843.4(GRM6):c.632T>C (p.Leu211Pro)

Gene: GRM6 (glutamate metabotropic receptor 6; minus strand). Cytogenetic location: 5q35.3.
Variant type: single nucleotide variant.
Coding change: c.632T>C on transcript NM_000843.4 (MANE Select); coding-DNA position 632, T replaced by C.
Protein change: p.Leu211Pro; replaces leucine 211 with proline.
Molecular consequence: missense variant.
Genome position (GRCh38, 1-based): chr5:178,991,956, A>G on the plus strand (T>C on the coding strand, the complement: GRM6 is on the minus strand). VCF-style: chr5-178991956-A-G. GRCh37 (hg19) VCF-style: chr5-178418957-A-G.
Other names: short protein forms L211P.
Identifiers: ClinVar variation 1440444 (VCV001440444.5), dbSNP rs547535418, ClinGen allele CA3594473.